The following is an entry in ClinVar:

ClinVar aggregate classification (germline): Benign/Likely benign. Review status: criteria provided, multiple submitters, no conflicts (2 of 4 stars). 5 submissions from 5 submitters: Benign (1); Likely benign (4). Last evaluated 2026-01-31.

Conditions:
Familial adenomatous polyposis 1 (FAP1). Also called: POLYPOSIS, ADENOMATOUS INTESTINAL; FAMILIAL ADENOMATOUS POLYPOSIS 1, ATTENUATED. Identifiers: MedGen C2713442, MONDO:0021056, OMIM 175100. Disease mechanism: loss of function.
Classic or attenuated familial adenomatous polyposis. Identifiers: MedGen CN372698, MONDO:0021057.
Hereditary cancer-predisposing syndrome. Also called: Hereditary Cancer Syndrome; Neoplastic Syndromes, Hereditary; Tumor predisposition; Hereditary neoplastic syndrome. Identifiers: Orphanet 140162, MedGen C0027672, MeSH D009386, MONDO:0015356.

Allele frequency attached by ClinVar (database versions not stated): TOPMed below 0.00001; ExAC 0.00001; gnomAD 0.00001; gnomAD exomes 0.00001.
gnomAD v4.1: 10 of 1,613,926 alleles (0.00062%); highest among the groups gnomAD compares: Non-Finnish European, 0.00068%; no homozygotes.

Submissions (5):

Labcorp Genetics (formerly Invitae), Labcorp
Classification: Likely benign for Familial adenomatous polyposis 1. Last evaluated: 2026-01-31. Review status: criteria provided, single submitter. Criteria: Invitae Variant Classification Sherloc (09022015). Collection method: clinical testing. Allele origin: germline.

Myriad Genetics, Inc.
Classification: Benign for Familial adenomatous polyposis 1. Last evaluated: 2024-03-11. Review status: criteria provided, single submitter. Criteria: Myriad Autosomal Dominant, Autosomal Recessive and X-Linked Classification Criteria (2023). Collection method: clinical testing. Allele origin: unknown.
Comment: This variant is considered benign. This variant is a silent/synonymous amino acid change and it is not expected to impact splicing.

All of Us Research Program, National Institutes of Health
Classification: Likely benign for Classic or attenuated familial adenomatous polyposis. Last evaluated: 2023-12-13. Review status: criteria provided, single submitter. Criteria: ACMG Guidelines, 2015. Collection method: clinical testing. Allele origin: germline. Inheritance: Autosomal dominant inheritance. Observed: 4 variant alleles, 4 heterozygotes.
Comment: This study involves interpretation of variants in research participants for the purpose of population health screening. Participant phenotype was not available at the time of variant classification. Additional details can be found in publication PMID: 35346344, PMCID: PMC8962531

Ambry Genetics
Classification: Likely benign for Hereditary cancer-predisposing syndrome. Last evaluated: 2018-12-21. Review status: criteria provided, single submitter. Criteria: Ambry Variant Classification Scheme 2023. Collection method: clinical testing. Allele origin: germline.

Color Diagnostics, LLC DBA Color Health
Classification: Likely benign for Hereditary cancer-predisposing syndrome. Last evaluated: 2016-11-07. Review status: criteria provided, single submitter. Criteria: ACMG Guidelines, 2015. Collection method: clinical testing. Allele origin: germline.

NM_000038.6(APC):c.2325T>C (p.Asn775=)

Gene: APC (APC regulator of Wnt signaling pathway; plus strand). Cytogenetic location: 5q22.2.
Variant type: single nucleotide variant.
Coding change: c.2325T>C on transcript NM_000038.6 (MANE Select); coding-DNA position 2325, T replaced by C.
Protein change: p.Asn775=; no amino-acid change (asparagine 775 retained).
Molecular consequence: synonymous variant.
Genome position (GRCh38, 1-based): chr5:112,837,919, T>C. VCF-style: chr5-112837919-T-C. GRCh37 (hg19) VCF-style: chr5-112173616-T-C.
Other names: c.1845T>C, p.Asn615= (NM_001354905.2); c.1947T>C, p.Asn649= (NM_001354904.2); c.1476T>C, p.Asn492= (NM_001354906.2); c.2325T>C, p.Asn775= (NM_001127510.3, NM_001354895.2); c.2271T>C, p.Asn757= (NM_001127511.3); c.2379T>C, p.Asn793= (NM_001354896.2); c.2355T>C, p.Asn785= (NM_001354897.2); c.2250T>C, p.Asn750= (NM_001354898.2); and 5 more.
Identifiers: ClinVar variation 490242 (VCV000490242.20), dbSNP rs779918968, ClinGen allele CA031686.